The following is an entry in ClinVar:

ClinVar aggregate classification (germline): Uncertain significance. Review status: criteria provided, multiple submitters, no conflicts (2 of 4 stars). 3 submissions from 3 submitters: Uncertain significance (2). 1 of the submissions does not count toward it. Last evaluated 2024-08-06.

Conditions:
PLEC-related disorder. Also called: PLEC-related condition; PLEC-related disorders.
Autosomal recessive limb-girdle muscular dystrophy type 2Q (LGMDR17). Also called: MUSCULAR DYSTROPHY, LIMB-GIRDLE, AUTOSOMAL RECESSIVE 17. Identifiers: Orphanet 254361, MedGen C3150989, MONDO:0013390, OMIM 613723.
Epidermolysis bullosa simplex 5B, with muscular dystrophy (EBS5B). Also called: Epidermolysis bullosa simplex with muscular dystrophy; EPIDERMOLYSIS BULLOSA SIMPLEX AND LIMB-GIRDLE MUSCULAR DYSTROPHY. Identifiers: Orphanet 257, MedGen C2931072, MONDO:0009181, OMIM 226670.
Epidermolysis bullosa simplex with nail dystrophy (EBS5D). Identifiers: MedGen C4225309, MONDO:0014661, OMIM 616487.
Epidermolysis bullosa simplex, Ogna type (EBS5A). Also called: Pidermolysis bullosa simplex 5A, Ogna type; EPIDERMOLYSIS BULLOSA SIMPLEX 5A, OGNA TYPE. Identifiers: Orphanet 79401, MedGen C0432317, MONDO:0007555, OMIM 131950.
Epidermolysis bullosa simplex 5C, with pyloric atresia (EBS5C). Also called: PLEC1-Related Epidermolysis Bullosa with Pyloric Atresia; PLEC-Related Epidermolysis Bullosa with Pyloric Atresia; Epidermolysis bullosa simplex with pyloric atresia. Identifiers: Orphanet 158684, MedGen C2677349, MONDO:0012807, OMIM 612138.

Allele frequency attached by ClinVar (database versions not stated): gnomAD exomes 0.00001; TOPMed 0.00001; gnomAD 0.00003; ExAC 0.00006.
gnomAD v4.1: 24 of 1,595,890 alleles (0.0015%); highest among the groups gnomAD compares: Middle Eastern, 0.033%; no homozygotes.

Submissions (3):

Labcorp Genetics (formerly Invitae), Labcorp
Classification: Uncertain significance for Autosomal recessive limb-girdle muscular dystrophy type 2Q; Epidermolysis bullosa simplex, Ogna type; Epidermolysis bullosa simplex with nail dystrophy; Epidermolysis bullosa simplex 5C, with pyloric atresia; Epidermolysis bullosa simplex 5B, with muscular dystrophy. Last evaluated: 2024-08-06. Review status: criteria provided, single submitter. Criteria: Invitae Variant Classification Sherloc (09022015). Collection method: clinical testing. Allele origin: germline.
Comment: This sequence change replaces arginine, which is basic and polar, with tryptophan, which is neutral and slightly polar, at codon 1508 of the PLEC protein (p.Arg1508Trp). This variant is present in population databases (rs782712833, gnomAD 0.01%). This variant has not been reported in the literature in individuals affected with PLEC-related conditions. ClinVar contains an entry for this variant (Variation ID: 2071858). Advanced modeling of protein sequence and biophysical properties (such as structural, functional, and spatial information, amino acid conservation, physicochemical variation, residue mobility, and thermodynamic stability) has been performed at Invitae for this missense variant, however the output from this modeling did not meet the statistical confidence thresholds required to predict the impact of this variant on PLEC protein function. In summary, the available evidence is currently insufficient to determine the role of this variant in disease. Therefore, it has been classified as a Variant of Uncertain Significance.

Revvity Omics, Revvity
Classification: Uncertain significance. Last evaluated: 2019-07-08. Review status: criteria provided, single submitter. Criteria: ACMG Guidelines, 2015. Collection method: clinical testing. Allele origin: germline.

PreventionGenetics, part of Exact Sciences
Classification: Uncertain significance for PLEC-related condition. Last evaluated: 2024-06-08. Review status: no assertion criteria provided. Collection method: clinical testing. Allele origin: germline. Not counted in ClinVar's aggregate classification.
Comment: The PLEC c.4522C>T variant is predicted to result in the amino acid substitution p.Arg1508Trp. To our knowledge, this variant has not been reported in the literature. This variant is reported in 0.010% of alleles in individuals of South Asian descent in gnomAD. At this time, the clinical significance of this variant is uncertain due to the absence of conclusive functional and genetic evidence.

NM_201384.3(PLEC):c.4441C>T (p.Arg1481Trp)

Gene: PLEC (plectin; minus strand). Cytogenetic location: 8q24.3.
Variant type: single nucleotide variant.
Coding change: c.4441C>T on transcript NM_201384.3 (MANE Select); coding-DNA position 4441, C replaced by T.
Protein change: p.Arg1481Trp; replaces arginine 1481 with tryptophan.
Molecular consequence: missense variant.
Genome position (GRCh38, 1-based): chr8:143,925,488, G>A on the plus strand (C>T on the coding strand, the complement: PLEC is on the minus strand). VCF-style: chr8-143925488-G-A. GRCh37 (hg19) VCF-style: chr8-144999656-G-A.
Other names: c.4522C>T (NM_000445.4, NM_000445.3); c.4522C>T, p.Arg1508Trp (NM_000445.5); c.4399C>T, p.Arg1467Trp (NM_201378.4); c.4375C>T, p.Arg1459Trp (NM_201379.3); c.4852C>T, p.Arg1618Trp (NM_201380.4); c.4345C>T, p.Arg1449Trp (NM_201381.3); c.4441C>T, p.Arg1481Trp (NM_201382.4); c.4453C>T, p.Arg1485Trp (NM_201383.3); short protein forms R1449W, R1459W, R1481W, R1485W, R1618W, R1467W, R1508W.
Identifiers: ClinVar variation 2071858 (VCV002071858.8), dbSNP rs782712833, ClinGen allele CA4926658.